The following is an entry in ClinVar:

NM_004621.6(TRPC6):c.614A>G (p.Asp205Gly)

Gene: TRPC6 (transient receptor potential cation channel subfamily C member 6; minus strand). Cytogenetic location: 11q22.1.
Variant type: single nucleotide variant.
Coding change: c.614A>G on transcript NM_004621.6 (MANE Select); coding-DNA position 614, A replaced by G.
Protein change: p.Asp205Gly; replaces aspartic acid 205 with glycine.
Molecular consequence: missense variant.
Genome position (GRCh38, 1-based): chr11:101,504,355, T>C on the plus strand (A>G on the coding strand, the complement: TRPC6 is on the minus strand). VCF-style: chr11-101504355-T-C. GRCh37 (hg19) VCF-style: chr11-101375086-T-C.
Other names: short protein forms D205G.
Identifiers: ClinVar variation 1517861 (VCV001517861.7), dbSNP rs762853760, ClinGen allele CA6244490.
Genomic context (GRCh38, chr11:101,504,355, plus strand): 5'-AGAATGATTGGAGTCACATCATGGGAGAACCGTGTCCCATCTTCATCATAGGCATAAAAA[T>C]CATCTTGCTGGAGTTCAGACTGGCTAGGGCTGGTTGCTAACCTCTTGCCTTCAGCAAAAG-3'
Protein context (NP_004612.2, residues 195-215): SPSQSELQQD[Asp205Gly]FYAYDEDGTR

ClinVar aggregate classification (germline): Uncertain significance (1 of 4 stars; one submission).

Allele frequency attached by ClinVar (database versions not stated): gnomAD exomes 0.00001; ExAC 0.00002.
gnomAD v4.1: 3 of 1,614,052 alleles (0.00019%); highest among the groups gnomAD compares: Admixed American, 0.0017%; no homozygotes.

Submission:

Labcorp Genetics (formerly Invitae), Labcorp
Classification: Uncertain significance. Last evaluated: 2025-07-10. Review status: criteria provided, single submitter. Criteria: Invitae Variant Classification Sherloc (09022015). Collection method: clinical testing. Allele origin: germline.
Comment: This sequence change replaces aspartic acid, which is acidic and polar, with glycine, which is neutral and non-polar, at codon 205 of the TRPC6 protein (p.Asp205Gly). This variant is present in population databases (rs762853760, gnomAD 0.003%). This variant has not been reported in the literature in individuals affected with TRPC6-related conditions. ClinVar contains an entry for this variant (Variation ID: 1517861). Invitae Evidence Modeling of protein sequence and biophysical properties (such as structural, functional, and spatial information, amino acid conservation, physicochemical variation, residue mobility, and thermodynamic stability) has been performed for this missense variant. However, the output from this modeling did not meet the statistical confidence thresholds required to predict the impact of this variant on TRPC6 protein function. In summary, the available evidence is currently insufficient to determine the role of this variant in disease. Therefore, it has been classified as a Variant of Uncertain Significance.